The following is an entry in ClinVar:

NM_000218.3(KCNQ1):c.477+4C>G

Gene: KCNQ1 (potassium voltage-gated channel subfamily Q member 1; plus strand). Cytogenetic location: 11p15.5.
Variant type: single nucleotide variant.
Coding change: c.477+4C>G on transcript NM_000218.3 (MANE Select); 4 bases into the intron after coding-DNA position 477, C replaced by G.
Molecular consequence: intron variant.
Genome position (GRCh38, 1-based): chr11:2,528,022, C>G. VCF-style: chr11-2528022-C-G. GRCh37 (hg19) VCF-style: chr11-2549252-C-G.
Other names: c.207+4C>G (NM_001406837.1); c.477+4C>G (NM_001406836.1, NM_001406838.1); c.96+4C>G (NM_181798.2).
Identifiers: ClinVar variation 1171600 (VCV001171600.5), dbSNP rs763599970, ClinGen allele CA2499220863.
Genomic context (GRCh38, chr11:2,528,022, plus strand): 5'-GTGCTGTCCACCATCGAGCAGTATGCCGCCCTGGCCACGGGGACTCTCTTCTGGATGGTA[C>G]GTAGCATCTGAGGGCATGGCTGGATGTCATGGCTGCCTTGGAAGCTGGCATCTCCCTGGC-3'

ClinVar aggregate classification (germline): Uncertain significance (1 of 4 stars; one submission).

Conditions:
Cardiac arrhythmia. Also called: Arrhythmia; Cardiac rhythm disease. Identifiers: MedGen C0003811, MONDO:0007263, HP:0011675.

Submission:

Color Diagnostics, LLC DBA Color Health
Classification: Uncertain significance for Cardiac arrhythmia. Last evaluated: 2020-11-24. Review status: criteria provided, single submitter. Criteria: ACMG Guidelines, 2015. Collection method: clinical testing. Allele origin: germline.
Comment: This variant causes a C to G nucleotide substitution at the +4 position of intron 2 of the KCNQ1 gene. To our knowledge, functional studies have not been reported for this variant. This variant has not been reported in individuals affected with cardiovascular disorders in the literature. This variant has not been identified in the general population by the Genome Aggregation Database (gnomAD). The available evidence is insufficient to determine the role of this variant in disease conclusively. Therefore, this variant is classified as a Variant of Uncertain Significance.